The following is an entry in ClinVar:

ClinVar aggregate classification (germline): Conflicting classifications of pathogenicity. Review status: criteria provided, conflicting classifications (1 of 4 stars). 4 submissions from 4 submitters: Uncertain significance (3); Likely benign (1). Last evaluated 2024-06-30.

Conditions:
Hereditary cancer-predisposing syndrome. Also called: Hereditary neoplastic syndrome; Tumor predisposition; Neoplastic Syndromes, Hereditary; Hereditary Cancer Syndrome. Identifiers: Orphanet 140162, MedGen C0027672, MeSH D009386, MONDO:0015356.
Hereditary breast ovarian cancer syndrome. Also called: Hereditary breast and ovarian cancer syndrome; Breast and ovarian cancer; Hereditary breast and ovarian cancer; Hereditary breast and/or ovarian cancer syndrome; Hereditary breast and ovarian cancer syndrome (HBOC); BRCA1- and BRCA2-Associated Hereditary Breast and Ovarian Cancer. Identifiers: Orphanet 145, MedGen C0677776, MeSH D061325, MONDO:0003582. Disease mechanism: loss of function.

Allele frequency attached by ClinVar (database versions not stated): gnomAD exomes below 0.00001; ExAC 0.00001.
gnomAD v4.1: 1 of 1,614,112 alleles (0.000062%); highest among the groups gnomAD compares: Non-Finnish European, 0.000085%; no homozygotes.

Submissions (4):

Labcorp Genetics (formerly Invitae), Labcorp
Classification: Uncertain significance for Hereditary breast ovarian cancer syndrome. Last evaluated: 2024-06-30. Review status: criteria provided, single submitter. Criteria: Invitae Variant Classification Sherloc (09022015). Collection method: clinical testing. Allele origin: germline.
Comment: This sequence change replaces aspartic acid, which is acidic and polar, with alanine, which is neutral and non-polar, at codon 728 of the BRCA2 protein (p.Asp728Ala). This variant is present in population databases (rs757577670, gnomAD 0.0009%). This missense change has been observed in individual(s) with hereditary breast and/or varian cancer (PMID: 29161300). ClinVar contains an entry for this variant (Variation ID: 571368). Advanced modeling of protein sequence and biophysical properties (such as structural, functional, and spatial information, amino acid conservation, physicochemical variation, residue mobility, and thermodynamic stability) performed at Invitae indicates that this missense variant is not expected to disrupt BRCA2 protein function with a negative predictive value of 95%. In summary, the available evidence is currently insufficient to determine the role of this variant in disease. Therefore, it has been classified as a Variant of Uncertain Significance.

University of Washington Department of Laboratory Medicine, University of Washington
Classification: Likely benign for Hereditary cancer-predisposing syndrome. Last evaluated: 2023-03-23. Review status: criteria provided, single submitter. Criteria: Dines et al. (Genet Med. 2020). Collection method: curation. Allele origin: germline.
Comment: Missense variant in a coldspot region where missense variants are very unlikely to be pathogenic (PMID:31911673).

BRCA2 exon 11 coldspot. Reclassification based on statistical prior probability.

Ambry Genetics
Classification: Uncertain significance for Hereditary cancer-predisposing syndrome. Last evaluated: 2022-03-24. Review status: criteria provided, single submitter. Criteria: Ambry Variant Classification Scheme 2023. Collection method: clinical testing. Allele origin: germline.
Comment: The p.D728A variant (also known as c.2183A>C), located in coding exon 10 of the BRCA2 gene, results from an A to C substitution at nucleotide position 2183. The aspartic acid at codon 728 is replaced by alanine, an amino acid with dissimilar properties. This alteration has been reported as a variant of uncertain clinical significance in a Brazilian hereditary breast and ovarian cancer cohort (Alemar B et al. PLoS ONE 2017 Nov;12(11):e0187630). This amino acid position is poorly conserved in available vertebrate species. In addition, this alteration is predicted to be tolerated by in silico analysis. Since supporting evidence is limited at this time, the clinical significance of this alteration remains unclear.

Color Diagnostics, LLC DBA Color Health
Classification: Uncertain significance for Hereditary cancer-predisposing syndrome. Last evaluated: 2019-05-08. Review status: criteria provided, single submitter. Criteria: ACMG Guidelines, 2015. Collection method: clinical testing. Allele origin: germline.

Literature cited by the submitters: PubMed 29161300 (cited by Labcorp Genetics (formerly Invitae), Labcorp).

NM_000059.4(BRCA2):c.2183A>C (p.Asp728Ala)

Gene: BRCA2 (BRCA2 DNA repair associated; plus strand). Cytogenetic location: 13q13.1.
Variant type: single nucleotide variant.
Coding change: c.2183A>C on transcript NM_000059.4 (MANE Select); coding-DNA position 2183, A replaced by C.
Protein change: p.Asp728Ala; replaces aspartic acid 728 with alanine.
Molecular consequence: missense variant.
Genome position (GRCh38, 1-based): chr13:32,336,538, A>C. VCF-style: chr13-32336538-A-C. GRCh37 (hg19) VCF-style: chr13-32910675-A-C.
Other names: short protein forms D728A.
Identifiers: ClinVar variation 571368 (VCV000571368.15), dbSNP rs757577670, ClinGen allele CA6940586.